The following is an entry in ClinVar:

ClinVar aggregate classification (germline): Uncertain significance. Review status: criteria provided, multiple submitters, no conflicts (2 of 4 stars). 2 submissions from 2 submitters: Uncertain significance (2). Last evaluated 2025-05-17.

Conditions:
Inborn genetic diseases. Identifiers: MedGen C0950123, MeSH D030342.
Mosaic variegated aneuploidy syndrome 1 (MVA1). Also called: Warburton-Anyane-Yeboa syndrome. Identifiers: Orphanet 1052, MedGen C1850343, MONDO:0009759, OMIM 257300.

Allele frequency attached by ClinVar (database versions not stated): gnomAD exomes 0.00002 and 0.00003; ExAC 0.00005.
gnomAD v4.1: 10 of 1,614,100 alleles (0.00062%); highest among the groups gnomAD compares: Non-Finnish European, 0.00076%; no homozygotes.

Submissions (2):

Ambry Genetics
Classification: Uncertain significance for Inborn genetic diseases. Last evaluated: 2025-05-17. Review status: criteria provided, single submitter. Criteria: Ambry Variant Classification Scheme 2023. Collection method: clinical testing. Allele origin: germline.
Comment: The p.A173T variant (also known as c.517G>A), located in coding exon 5 of the BUB1B gene, results from a G to A substitution at nucleotide position 517. The alanine at codon 173 is replaced by threonine, an amino acid with similar properties. This amino acid position is conserved. In addition, this alteration is predicted to be tolerated by in silico analysis. Since supporting evidence is limited at this time, the clinical significance of this alteration remains unclear.

Labcorp Genetics (formerly Invitae), Labcorp
Classification: Uncertain significance for Mosaic variegated aneuploidy syndrome 1. Last evaluated: 2020-09-16. Review status: criteria provided, single submitter. Criteria: Invitae Variant Classification Sherloc (09022015). Collection method: clinical testing. Allele origin: germline.
Comment: In summary, the available evidence is currently insufficient to determine the role of this variant in disease. Therefore, it has been classified as a Variant of Uncertain Significance. Algorithms developed to predict the effect of missense changes on protein structure and function output the following: SIFT: "Tolerated"; PolyPhen-2: "Benign"; Align-GVGD: "Class C0". The threonine amino acid residue is found in multiple mammalian species, suggesting that this missense change does not adversely affect protein function. These predictions have not been confirmed by published functional studies and their clinical significance is uncertain. This variant has not been reported in the literature in individuals with BUB1B-related conditions. This variant is present in population databases (rs756702953, ExAC 0.009%). This sequence change replaces alanine with threonine at codon 173 of the BUB1B protein (p.Ala173Thr). The alanine residue is weakly conserved and there is a small physicochemical difference between alanine and threonine.

NM_001211.6(BUB1B):c.517G>A (p.Ala173Thr)

Gene: BUB1B (BUB1 mitotic checkpoint serine/threonine kinase B; plus strand). Cytogenetic location: 15q15.1.
Variant type: single nucleotide variant.
Coding change: c.517G>A on transcript NM_001211.6 (MANE Select); coding-DNA position 517, G replaced by A.
Protein change: p.Ala173Thr; replaces alanine 173 with threonine.
Molecular consequence: missense variant.
Genome position (GRCh38, 1-based): chr15:40,176,609, G>A. VCF-style: chr15-40176609-G-A. GRCh37 (hg19) VCF-style: chr15-40468810-G-A.
Other names: c.517G>A (NM_001211.5); short protein forms A173T.
Identifiers: ClinVar variation 999906 (VCV000999906.13), dbSNP rs756702953, ClinGen allele CA7475498.
Genomic context (GRCh38, chr15:40,176,609, plus strand): 5'-CAGTTCTATATCTCATGGGCAGAAGAATATGAAGCTAGAGAAAACTTTAGGAAAGCAGAT[G>A]CGATATTTCAGGAAGGGATTCAACAGAAGGCTGAACCACTAGAAAGACTACAGTCCCAGC-3'
Protein context (NP_001202.5, residues 163-183): EARENFRKAD[Ala173Thr]IFQEGIQQKA